The following is an entry in ClinVar:

NM_000310.4(PPT1):c.112del (p.Trp38fs)

Gene: PPT1 (palmitoyl-protein thioesterase 1; minus strand). Cytogenetic location: 1p34.2.
Variant type: Deletion.
Coding change: c.112del on transcript NM_000310.4 (MANE Select); coding-DNA position 112, one base deleted (T; older notation c.112delT).
Protein change: p.Trp38fs; shifts the reading frame from tryptophan 38.
Molecular consequence: frameshift variant.
Genome position (GRCh38, 1-based): chr1:40,097,127, A deleted on the plus strand (T on the coding strand, the reverse complement: PPT1 is on the minus strand). VCF-style (leftmost placement, unchanged base first): chr1-40097126-CA-C. GRCh37 (hg19) VCF-style: chr1-40562798-CA-C.
Other names: c.112del, p.Trp38fs (NM_001142604.2, NM_001363695.2); short protein forms W38fs.
Identifiers: ClinVar variation 2027871 (VCV002027871.4), dbSNP rs2523709256, ClinGen allele CA2580062747.

ClinVar aggregate classification (germline): Pathogenic (1 of 4 stars; one submission).

Conditions:
Neuronal ceroid lipofuscinosis 1 (CLN1). Also called: CEROID LIPOFUSCINOSIS, NEURONAL, 1, VARIABLE AGE AT ONSET; PPT1-Related Neuronal Ceroid-Lipofuscinosis. Identifiers: Orphanet 228329, MedGen C1850451, MONDO:0009744, OMIM 256730.

Submission:

Labcorp Genetics (formerly Invitae), Labcorp
Classification: Pathogenic for Neuronal ceroid lipofuscinosis 1. Last evaluated: 2022-09-13. Review status: criteria provided, single submitter. Criteria: Invitae Variant Classification Sherloc (09022015). Collection method: clinical testing. Allele origin: germline.
Comment: For these reasons, this variant has been classified as Pathogenic. This variant has not been reported in the literature in individuals affected with PPT1-related conditions. This variant is not present in population databases (gnomAD no frequency). This sequence change creates a premature translational stop signal (p.Trp38Glyfs*12) in the PPT1 gene. It is expected to result in an absent or disrupted protein product. Loss-of-function variants in PPT1 are known to be pathogenic (PMID: 10679943, 21990111).

Literature cited by the submitters: PubMed 10679943; PubMed 21990111.